The following is an entry in ClinVar:

NM_001039141.3(TRIOBP):c.1741C>T (p.Gln581Ter)

Gene: TRIOBP (TRIO and F-actin binding protein; plus strand). Cytogenetic location: 22q13.1.
Variant type: single nucleotide variant.
Coding change: c.1741C>T on transcript NM_001039141.3 (MANE Select); coding-DNA position 1741, C replaced by T.
Protein change: p.Gln581Ter; replaces glutamine 581 with a stop codon.
Molecular consequence: nonsense.
Genome position (GRCh38, 1-based): chr22:37,724,297, C>T. VCF-style: chr22-37724297-C-T. GRCh37 (hg19) VCF-style: chr22-38120304-C-T.
Other names: short protein forms Q581*.
Identifiers: ClinVar variation 1491 (VCV000001491.2), dbSNP rs118204027, ClinGen allele CA251850.

ClinVar aggregate classification (germline): Pathogenic. Review status: criteria provided, single submitter (1 of 4 stars). 2 submissions from 2 submitters: Pathogenic (1). 1 of the submissions does not count toward it. Last evaluated 2023-02-02.

Conditions:
Nonsyndromic genetic hearing loss. Also called: Nonsyndromic hearing loss and deafness; Non-syndromic genetic deafness; Nonsyndromic genetic deafness. Identifiers: Orphanet 87884, MedGen C5680182, MONDO:0019497.
Autosomal recessive nonsyndromic hearing loss 28. Identifiers: Orphanet 90636, MedGen C1853276, MONDO:0012355, OMIM 609823.

Submissions (2):

Laboratory for Molecular Medicine, Mass General Brigham Personalized Medicine
Classification: Pathogenic for Nonsyndromic genetic hearing loss. Last evaluated: 2023-02-02. Review status: criteria provided, single submitter. Criteria: ACMG Guidelines, 2015. Collection method: clinical testing. Allele origin: germline.
Comment: The p.Gln581X variant in TRIOBP has been reported in >10 Palestinian individuals with nonsyndromic hearing loss as either homozygous or compound heterozygous with a second pathogenic variant, and segregated with hearing loss in several family members (Shahin 2006 PMID 16385458, Abu Rayyan 2020 PMID 32747562). The variant is absent in large population databases. This nonsense variant leads to a premature termination codon at position 581, which is predicted to lead to a truncated or absent protein. In summary, this variant meets criteria to be classified as pathogenic for autosomal recessive nonsyndromic hearing loss. PVS1, PM3_Strong, PP1_Strong. (This variant did not meet the variant calling quality criteria, and was included because it has been previously reported as a clinically significant variant.)

OMIM
Classification: Pathogenic for DEAFNESS, AUTOSOMAL RECESSIVE 28. Last evaluated: 2006-01-01. Review status: no assertion criteria provided. Collection method: literature only. Allele origin: germline. Not counted in ClinVar's aggregate classification.

Literature cited by the submitters: PubMed 16385458 (cited by OMIM).